The following is an entry in ClinVar:

ClinVar aggregate classification (germline): Pathogenic (1 of 4 stars; one submission).

Conditions:
Developmental and epileptic encephalopathy. Identifiers: MedGen C5779964, MONDO:0100620.

Submission:

Labcorp Genetics (formerly Invitae), Labcorp
Classification: Pathogenic for Early-infantile DEE. Last evaluated: 2022-08-09. Review status: criteria provided, single submitter. Criteria: Invitae Variant Classification Sherloc (09022015). Collection method: clinical testing. Allele origin: unknown.
Comment: For these reasons, this variant has been classified as Pathogenic. This variant has not been reported in the literature in individuals affected with KCNQ2-related conditions. This variant is a gross deletion of the genomic region encompassing exon(s) 1-7 of the KCNQ2 gene, which includes the initiator codon. This deletion extends beyond the assayed region for this gene and therefore may encompass additional genes. It is expected to result in an absent or disrupted protein product. Loss-of-function variants in KCNQ2 are known to be pathogenic (PMID: 14534157, 23692823, 27779742).

Literature cited by the submitters: PubMed 14534157; PubMed 23692823; PubMed 27779742.

NC_000020.10:g.(?_62069958)_(62129116_?)del

Genes: EEF1A2 (eukaryotic translation elongation factor 1 alpha 2; minus strand), KCNQ2 (potassium voltage-gated channel subfamily Q member 2; minus strand). Cytogenetic location: 20q13.33.
Variant type: Deletion.
Identifiers: ClinVar variation 3248237 (VCV003248237.1).